The following is an entry in ClinVar:

ClinVar aggregate classification (germline): Uncertain significance (1 of 4 stars; one submission).

Conditions:
Intellectual disability, autosomal dominant 11. Identifiers: MedGen C3280285, MONDO:0013658, OMIM 614257.

Submission:

Laboratorio de Genetica e Diagnostico Molecular, Hospital Israelita Albert Einstein
Classification: Uncertain significance for Intellectual disability, autosomal dominant 11. Last evaluated: 2024-07-23. Review status: criteria provided, single submitter. Criteria: ACMG Guidelines, 2015. Collection method: clinical testing. Allele origin: germline. Affected: yes.
Comment: ACMG classification criteria: PM2 supporting

NM_012156.2(EPB41L1):c.2500G>A (p.Glu834Lys)

Gene: EPB41L1 (erythrocyte membrane protein band 4.1 like 1; plus strand). Cytogenetic location: 20q11.23.
Variant type: single nucleotide variant.
Coding change: c.2500G>A on transcript NM_012156.2 (MANE Select); coding-DNA position 2500, G replaced by A.
Protein change: p.Glu834Lys; replaces glutamic acid 834 with lysine.
Molecular consequence: missense variant.
Genome position (GRCh38, 1-based): chr20:36,221,924, G>A. VCF-style: chr20-36221924-G-A. GRCh37 (hg19) VCF-style: chr20-34809846-G-A.
Other names: c.2497G>A, p.Glu833Lys (NM_001258329.1, NM_001424402.1); c.1960G>A, p.Glu654Lys (NM_001258330.1); c.2194G>A, p.Glu732Lys (NM_001258331.2, NM_001424390.1, NM_177996.2); c.1696G>A, p.Glu566Lys (NM_001424373.1); c.1780G>A, p.Glu594Lys (NM_001424374.1); c.1783G>A, p.Glu595Lys (NM_001424375.1, NM_001424403.1); c.1819G>A, p.Glu607Lys (NM_001424376.1); c.1861G>A, p.Glu621Lys (NM_001424377.1); and 19 more; short protein forms E566K, E594K, E595K, E607K, E621K, E622K, E623K, E635K.
Identifiers: ClinVar variation 3901993 (VCV003901993.1).